The following is an entry in ClinVar:

NC_000009.11:g.(?_26961966)_(26962105_?)del

Gene: IFT74 (intraflagellar transport 74; plus strand). Cytogenetic location: 9p21.2.
Variant type: Deletion.
Identifiers: ClinVar variation 3245301 (VCV003245301.1).

ClinVar aggregate classification (germline): Pathogenic (1 of 4 stars; one submission).

Submission:

Labcorp Genetics (formerly Invitae), Labcorp
Classification: Pathogenic. Last evaluated: 2023-12-22. Review status: criteria provided, single submitter. Criteria: Invitae Variant Classification Sherloc (09022015). Collection method: clinical testing. Allele origin: unknown.
Comment: This variant is a gross deletion of the genomic region encompassing exon(s) 2 of the IFT74 gene, which includes the initiator codon. This deletion extends beyond the assayed region for this gene and therefore may encompass additional genes. It is expected to result in an absent or disrupted protein product. Loss-of-function variants in IFT74 are known to be pathogenic (PMID: 33531668). This variant has not been reported in the literature in individuals affected with IFT74-related conditions. For these reasons, this variant has been classified as Pathogenic.

Literature cited by the submitters: PubMed 33531668.